The following is an entry in ClinVar:

NM_173495.3(PTCHD1):c.1726C>G (p.Leu576Val)

Gene: PTCHD1 (patched domain containing 1; plus strand). Cytogenetic location: Xp22.11.
Variant type: single nucleotide variant.
Coding change: c.1726C>G on transcript NM_173495.3 (MANE Select); coding-DNA position 1726, C replaced by G.
Protein change: p.Leu576Val; replaces leucine 576 with valine.
Molecular consequence: missense variant.
Genome position (GRCh38, 1-based): chrX:23,393,244, C>G. VCF-style: chrX-23393244-C-G. GRCh37 (hg19) VCF-style: chrX-23411361-C-G.
Other names: short protein forms L576V.
Identifiers: ClinVar variation 3056582 (VCV003056582.2), dbSNP rs1212631256, ClinGen allele CA412585605.

ClinVar aggregate classification (germline): Uncertain significance (0 of 4 stars; one submission).

Conditions:
PTCHD1-related disorder. Also called: PTCHD1-related condition.

Allele frequency attached by ClinVar (database versions not stated): gnomAD exomes below 0.00001.
gnomAD v4.1: 1 of 1,209,215 alleles (0.000083%); highest among the groups gnomAD compares: Non-Finnish European, 0.00011%; no homozygotes.

Submission:

PreventionGenetics, part of Exact Sciences
Classification: Uncertain significance for PTCHD1-related condition. Last evaluated: 2024-02-22. Review status: no assertion criteria provided. Collection method: clinical testing. Allele origin: germline.
Comment: The PTCHD1 c.1726C>G variant is predicted to result in the amino acid substitution p.Leu576Val. To our knowledge, this variant has not been reported in the literature. This variant is reported in 0.0012% of alleles in individuals of European (Non-Finnish) descent in gnomAD. At this time, the clinical significance of this variant is uncertain due to the absence of conclusive functional and genetic evidence.